The following is an entry in ClinVar:

ClinVar aggregate classification (germline): Pathogenic (1 of 4 stars; one submission).

Conditions:
Hereditary pancreatitis (PCTT). Also called: Hereditary chronic pancreatitis; PRSS1-Related Hereditary Pancreatitis. Identifiers: Orphanet 676, MedGen C0238339, MONDO:0008185, OMIM 167800.

Allele frequency attached by ClinVar (database versions not stated): ExAC 0.00001; gnomAD exomes 0.00001.

Submission:

Ambry Genetics
Classification: Pathogenic for Hereditary pancreatitis. Last evaluated: 2021-09-16. Review status: criteria provided, single submitter. Criteria: Ambry Variant Classification Scheme 2023. Collection method: clinical testing. Allele origin: germline.
Comment: The c.57dupG pathogenic mutation, located in coding exon 2 of the CTRC gene, results from a duplication of G at nucleotide position 57, causing a translational frameshift with a predicted alternate stop codon (p.P20Afs*47). This alteration is expected to result in loss of function by premature protein truncation or nonsense-mediated mRNA decay. As such, this alteration is interpreted as a disease-causing mutation.

NM_007272.3(CTRC):c.57dup (p.Pro20fs)

Gene: CTRC (chymotrypsin C; plus strand). Cytogenetic location: 1p36.21.
Variant type: Duplication.
Coding change: c.57dup on transcript NM_007272.3 (MANE Select); coding-DNA position 57, one base duplicated (G; older notation c.57dupG).
Protein change: p.Pro20fs; shifts the reading frame from proline 20.
Molecular consequence: frameshift variant.
Genome position (GRCh38, 1-based): chr1:15,440,316, G duplicated. VCF-style (leftmost placement, unchanged base first): chr1-15440315-T-TG. GRCh37 (hg19) VCF-style: chr1-15766811-T-TG.
Other names: short protein forms P20fs.
Identifiers: ClinVar variation 1749750 (VCV001749750.2), dbSNP rs761774161, ClinGen allele CA613204.